The following is an entry in ClinVar:

ClinVar aggregate classification (germline): Benign. Review status: criteria provided, multiple submitters, no conflicts (2 of 4 stars). 7 submissions from 7 submitters: Benign (6). 1 of the submissions does not count toward it. Last evaluated 2026-02-04.

Conditions:
Agenesis of the corpus callosum with peripheral neuropathy (ACCPN). Also called: HMSN/ACC; Hereditary Motor and Sensory Neuropathy with Agenesis of the Corpus Callosum; CHARLEVOIX DISEASE; POLYNEUROPATHY, SENSORIMOTOR, WITH OR WITHOUT AGENESIS OF THE CORPUS CALLOSUM. Identifiers: Orphanet 1496, MedGen C0795950, MONDO:0000902, OMIM 218000. Disease mechanism: loss of function.

Allele frequency attached by ClinVar (database versions not stated): ESP Exome Variant Server 0.15499; gnomAD 0.16150 and 0.16573; TOPMed 0.16537; gnomAD exomes 0.17774 and 0.18697; 1000 Genomes Project 30x 0.20128; 1000 Genomes Project 0.20687; ExAC 0.23126.
gnomAD v4.1: 232,112 of 1,314,282 alleles (18%); highest among the groups gnomAD compares: Middle Eastern, 28%; 21,063 homozygotes.

Submissions (7):

Labcorp Genetics (formerly Invitae), Labcorp
Classification: Benign. Last evaluated: 2026-02-04. Review status: criteria provided, single submitter. Criteria: Invitae Variant Classification Sherloc (09022015). Collection method: clinical testing. Allele origin: germline.

Genome-Nilou Lab
Classification: Benign for Agenesis of the corpus callosum with peripheral neuropathy. Last evaluated: 2021-07-10. Review status: criteria provided, single submitter. Criteria: ACMG Guidelines, 2015. Collection method: clinical testing. Allele origin: germline. Affected: no.

Women's Health and Genetics/Laboratory Corporation of America, LabCorp
Classification: Benign. Last evaluated: 2020-12-14. Review status: criteria provided, single submitter. Criteria: LabCorp Variant Classification Summary - May 2015. Collection method: clinical testing. Allele origin: germline.

GeneDx
Classification: Benign. Last evaluated: 2014-02-28. Review status: criteria provided, single submitter. Criteria: GeneDx Variant Classification (06012015). Collection method: clinical testing. Allele origin: germline. Affected: yes.
Comment: This variant is considered likely benign or benign based on one or more of the following criteria: it is a conservative change, it occurs at a poorly conserved position in the protein, it is predicted to be benign by multiple in silico algorithms, and/or has population frequency not consistent with disease.

Breakthrough Genomics
Classification: Benign. Review status: criteria provided, single submitter. Criteria: ACMG Guidelines, 2015. Collection method: not provided. Allele origin: germline. Inheritance: Autosomal recessive inheritance. Affected: yes.

PreventionGenetics, part of Exact Sciences
Classification: Benign. Review status: criteria provided, single submitter. Criteria: ACMG Guidelines, 2015. Collection method: clinical testing. Allele origin: germline.

Genetic Services Laboratory, University of Chicago
Classification: Likely benign. Review status: no assertion criteria provided. Collection method: clinical testing. Allele origin: germline. Inheritance: Autosomal recessive inheritance. Not counted in ClinVar's aggregate classification.
Comment: Likely benign based on allele frequency in 1000 Genomes Project or ESP global frequency and its presence in a patient with a rare or unrelated disease phenotype. NOT Sanger confirmed

NM_001365088.1(SLC12A6):c.1333+20G>T

Gene: SLC12A6 (solute carrier family 12 member 6; minus strand). Cytogenetic location: 15q14.
Variant type: single nucleotide variant.
Coding change: c.1333+20G>T on transcript NM_001365088.1 (MANE Select); 20 bases into the intron after coding-DNA position 1333, G replaced by T.
Molecular consequence: intron variant.
Genome position (GRCh38, 1-based): chr15:34,252,150, C>A on the plus strand (G>T on the coding strand, the complement: SLC12A6 is on the minus strand). VCF-style: chr15-34252150-C-A. GRCh37 (hg19) VCF-style: chr15-34544351-C-A.
Other names: c.1156+20G>T (NM_001042495.2, NM_001042494.2); c.1306+20G>T (NM_001042496.2); c.1288+20G>T (NM_001042497.2); c.1333+20G>T (NM_133647.2); c.1180+20G>T (NM_005135.2).
Identifiers: ClinVar variation 139120 (VCV000139120.19), dbSNP rs2290941, ClinGen allele CA173427.